The following is an entry in ClinVar:

ClinVar aggregate classification (germline): Pathogenic/Likely pathogenic. Review status: criteria provided, multiple submitters, no conflicts (2 of 4 stars). 4 submissions from 4 submitters: Pathogenic (3); Likely pathogenic (1). Last evaluated 2022-03-18.

Conditions:
SLC6A8-related disorder. Also called: SLC6A8-related condition.
Creatine transporter deficiency (CCDS1). Also called: Creatine Transporter (CRTR) Deficiency; Mental retardation , X-linked with seizures, short stature and midface hypoplasia; Mental retardation , X-linked, with creatine transport deficiency; X-linked creatine transporter deficiency; X-linked creatine deficiency syndrome; SLC6A8-Related Creatine Transporter Deficiency. Identifiers: Orphanet 52503, MedGen C1845862, MONDO:0010305, OMIM 300352.

Submissions (4):

Labcorp Genetics (formerly Invitae), Labcorp
Classification: Pathogenic for Creatine transporter deficiency. Last evaluated: 2022-03-18. Review status: criteria provided, single submitter. Criteria: Invitae Variant Classification Sherloc (09022015). Collection method: clinical testing. Allele origin: germline.
Comment: This sequence change creates a premature translational stop signal (p.Asp431Leufs*27) in the SLC6A8 gene. It is expected to result in an absent or disrupted protein product. Loss-of-function variants in SLC6A8 are known to be pathogenic (PMID: 22281021). This variant is not present in population databases (gnomAD no frequency). This variant has not been reported in the literature in individuals affected with SLC6A8-related conditions. ClinVar contains an entry for this variant (Variation ID: 280650). Algorithms developed to predict the effect of sequence changes on RNA splicing suggest that this variant may disrupt the consensus splice site. For these reasons, this variant has been classified as Pathogenic.

Institute of Medical Genetics and Applied Genomics, University Hospital Tübingen
Classification: Pathogenic. Last evaluated: 2020-10-23. Review status: criteria provided, single submitter. Criteria: ACMG Guidelines, 2015. Collection method: clinical testing. Allele origin: germline. Inheritance: Unknown mechanism. Affected: yes.

GeneDx
Classification: Pathogenic. Last evaluated: 2019-12-30. Review status: criteria provided, single submitter. Criteria: GeneDx Variant Classification Process June 2021. Collection method: clinical testing. Allele origin: germline. Affected: yes.
Comment: Frameshift variant predicted to result in protein truncation or nonsense mediated decay in a gene for which loss-of-function is a known mechanism of disease; Has not been previously published as pathogenic or benign to our knowledge

Blueprint Genetics
Classification: Likely pathogenic for SLC6A8-related disorders. Last evaluated: 2017-08-04. Review status: criteria provided, single submitter. Criteria: ACMG Guidelines, 2015. Collection method: clinical testing. Allele origin: germline. Affected: yes. Observed: 1 variant allele.

Literature cited by the submitters: PubMed 22281021 (cited by Labcorp Genetics (formerly Invitae), Labcorp).

NM_005629.4(SLC6A8):c.1290_1309del (p.Asp431fs)

Gene: SLC6A8 (solute carrier family 6 member 8; plus strand). Cytogenetic location: Xq28.
Variant type: Deletion.
Coding change: c.1290_1309del on transcript NM_005629.4 (MANE Select); coding-DNA positions 1290 to 1309, 20 bases deleted (CGACCTCCTCCCGGCCTCCT).
Protein change: p.Asp431fs; shifts the reading frame from aspartic acid 431.
Molecular consequence: frameshift variant.
Genome position (GRCh38, 1-based): chrX:153,694,165-153,694,184, CGACCTCCTCCCGGCCTCCT deleted; deleting any 20 consecutive bases within chrX:153,694,155-153,694,184 gives the same sequence; the c. name uses the placement nearest the transcript's 3' end. VCF-style (leftmost placement, unchanged base first): chrX-153694154-ACCGGCCTCCTCGACCTCCTC-A. GRCh37 (hg19) VCF-style: chrX-152959609-ACCGGCCTCCTCGACCTCCTC-A.
Other names: c.1290_1309delCGACCTCCTCCCGGCCTCCT (NM_005629.3); c.1260_1279del, p.Asp421fs (NM_001142805.2); c.945_964del, p.Asp316fs (NM_001142806.1); short protein forms D316fs, D431fs, D421fs.
Identifiers: ClinVar variation 280650 (VCV000280650.11), dbSNP rs886041818, ClinGen allele CA10603605.